The following is an entry in ClinVar:

ClinVar aggregate classification (germline): Likely benign (1 of 4 stars; one submission).

Conditions:
DNAJC7-related condition.

Submission:

PreventionGenetics, part of Exact Sciences
Classification: Likely benign for DNAJC7-related condition. Last evaluated: 2024-11-26. Review status: criteria provided, single submitter. Criteria: ACMG Guidelines, 2015. Collection method: clinical testing. Allele origin: germline.
Comment: This variant is classified as likely benign based on ACMG/AMP sequence variant interpretation guidelines (Richards et al. 2015 PMID: 25741868, with internal and published modifications).

NM_003315.4(DNAJC7):c.882T>G (p.Ala294=)

Gene: DNAJC7 (DnaJ heat shock protein family (Hsp40) member C7; minus strand). Cytogenetic location: 17q21.2.
Variant type: single nucleotide variant.
Coding change: c.882T>G on transcript NM_003315.4 (MANE Select); coding-DNA position 882, T replaced by G.
Protein change: p.Ala294=; no amino-acid change (alanine 294 retained).
Molecular consequence: synonymous variant. On other transcripts: non-coding transcript variant (1).
Genome position (GRCh38, 1-based): chr17:41,988,768, A>C on the plus strand (T>G on the coding strand, the complement: DNAJC7 is on the minus strand). VCF-style: chr17-41988768-A-C. GRCh37 (hg19) VCF-style: chr17-40140786-A-C.
Other names: c.714T>G, p.Ala238= (NM_001144766.3).
Identifiers: ClinVar variation 4984021 (VCV004984021.1).